The following is an entry in ClinVar:

NM_001330574.2(ZNF711):c.595A>G (p.Thr199Ala)

Gene: ZNF711 (zinc finger protein 711; plus strand). Cytogenetic location: Xq21.1.
Variant type: single nucleotide variant.
Coding change: c.595A>G on transcript NM_001330574.2 (MANE Select); coding-DNA position 595, A replaced by G.
Protein change: p.Thr199Ala; replaces threonine 199 with alanine.
Molecular consequence: missense variant.
Genome position (GRCh38, 1-based): chrX:85,255,774, A>G. VCF-style: chrX-85255774-A-G. GRCh37 (hg19) VCF-style: chrX-84510780-A-G.
Other names: c.595A>G, p.Thr199Ala (NM_001375431.1, NM_001375432.1, NM_001375433.1 and 5 more transcripts); short protein forms T199A.
Identifiers: ClinVar variation 3347528 (VCV003347528.1).

ClinVar aggregate classification (germline): Uncertain significance (0 of 4 stars; one submission).

Conditions:
ZNF711-related disorder. Also called: ZNF711-related condition.

gnomAD v4.1: 1 of 1,210,392 alleles (0.000083%); highest among the groups gnomAD compares: South Asian, 0.0018%; no homozygotes.

Submission:

PreventionGenetics, part of Exact Sciences
Classification: Uncertain significance for ZNF711-related condition. Last evaluated: 2024-08-16. Review status: no assertion criteria provided. Collection method: clinical testing. Allele origin: germline.
Comment: The ZNF711 c.595A>G variant is predicted to result in the amino acid substitution p.Thr199Ala. To our knowledge, this variant has not been reported in the literature or in a large population database, indicating this variant is rare. At this time, the clinical significance of this variant is uncertain due to the absence of conclusive functional and genetic evidence.